The following is an entry in ClinVar:

ClinVar aggregate classification (germline): Benign. Review status: criteria provided, multiple submitters, no conflicts (2 of 4 stars). 2 submissions from 2 submitters: Benign (2). Last evaluated 2018-01-12.

Conditions:
Hermansky-Pudlak syndrome 5 (HPS5). Identifiers: Orphanet 231512, Orphanet 79430, MedGen C3888004, MONDO:0013557, OMIM 614074.

Allele frequency attached by ClinVar (database versions not stated): gnomAD exomes 0.06627; gnomAD 0.13814; TOPMed 0.13872; 1000 Genomes Project 30x 0.15084; 1000 Genomes Project 0.15116.
gnomAD v4.1: 20,961 of 152,328 alleles (14%); highest among the groups gnomAD compares: African/African-American, 19%; 1,555 homozygotes.

Submissions (2):

Illumina Laboratory Services, Illumina
Classification: Benign for Hermansky-Pudlak syndrome 5. Last evaluated: 2018-01-12. Review status: criteria provided, single submitter. Criteria: ICSL Variant Classification Criteria 13 December 2019. Collection method: clinical testing. Allele origin: germline.
Comment: This variant was observed in the ICSL laboratory as part of a predisposition screen in an ostensibly healthy population. It had not been previously curated by ICSL or reported in the Human Gene Mutation Database (HGMD: prior to June 1st, 2018), and was therefore a candidate for classification through an automated scoring system. Utilizing variant allele frequency, disease prevalence and penetrance estimates, and inheritance mode, an automated score was calculated to assess if this variant is too frequent to cause the disease. Based on the score and internal cut-off values, a variant classified as benign is not then subjected to further curation. The score for this variant resulted in a classification of benign for this disease.

Breakthrough Genomics
Classification: Benign. Review status: criteria provided, single submitter. Criteria: ACMG Guidelines, 2015. Collection method: not provided. Allele origin: germline. Inheritance: Autosomal recessive inheritance. Affected: yes.

NM_181507.1(HPS5):c.-251C>A

Genes: HPS5 (HPS5 biogenesis of lysosomal organelles complex 2 subunit 2; minus strand), LOC126861152 (BRD4-independent group 4 enhancer GRCh37_chr11:18343272-18344471; plus strand). Cytogenetic location: 11p15.1.
Variant type: single nucleotide variant.
Coding change: c.-251C>A on transcript NM_181507.1; 251 bases upstream of the start codon, C replaced by A.
Genome position (GRCh38, 1-based): chr11:18,322,147, G>T on the plus strand (C>A on the coding strand, the complement: HPS5 is on the minus strand). VCF-style: chr11-18322147-G-T. GRCh37 (hg19) VCF-style: chr11-18343694-G-T.
Identifiers: ClinVar variation 303906 (VCV000303906.8), dbSNP rs4150530, ClinGen allele CA10638690.